The following is an entry in ClinVar:

NM_001142864.4(PIEZO1):c.7354G>A (p.Gly2452Ser)

Gene: PIEZO1 (piezo type mechanosensitive ion channel component 1 (Er blood group); minus strand). Cytogenetic location: 16q24.3.
Variant type: single nucleotide variant.
Coding change: c.7354G>A on transcript NM_001142864.4 (MANE Select); coding-DNA position 7354, G replaced by A.
Protein change: p.Gly2452Ser; replaces glycine 2452 with serine.
Molecular consequence: missense variant.
Genome position (GRCh38, 1-based): chr16:88,715,817, C>T on the plus strand (G>A on the coding strand, the complement: PIEZO1 is on the minus strand). VCF-style: chr16-88715817-C-T. GRCh37 (hg19) VCF-style: chr16-88782225-C-T.
Other names: p.Gly2452Ser; c.7354G>A (NM_001142864.3); short protein forms G2452S.
Identifiers: ClinVar variation 1693668 (VCV001693668.6), dbSNP rs531058403, ClinGen allele CA8231338.

ClinVar aggregate classification (germline): Uncertain significance. Review status: criteria provided, multiple submitters, no conflicts (2 of 4 stars). 3 submissions from 3 submitters: Uncertain significance (2). 1 of the submissions does not count toward it. Last evaluated 2025-08-26.

Conditions:
PIEZO1-related disorder. Also called: PIEZO1-related condition; PIEZO1-Related Disorders.
Inborn genetic diseases. Identifiers: MedGen C0950123, MeSH D030342.

Allele frequency attached by ClinVar (database versions not stated): ExAC 0.00005; 1000 Genomes Project 30x 0.00016; 1000 Genomes Project 0.00020.
gnomAD v4.1: 36 of 1,550,286 alleles (0.0023%); highest among the groups gnomAD compares: South Asian, 0.024%; no homozygotes.

Submissions (3):

Ambry Genetics
Classification: Uncertain significance for Inborn genetic diseases. Last evaluated: 2025-08-26. Review status: criteria provided, single submitter. Criteria: Ambry Variant Classification Scheme 2023. Collection method: clinical testing. Allele origin: germline.

Mayo Clinic Laboratories, Mayo Clinic
Classification: Uncertain significance. Last evaluated: 2022-01-18. Review status: criteria provided, single submitter. Criteria: ACMG Guidelines, 2015. Collection method: clinical testing. Allele origin: germline.

PreventionGenetics, part of Exact Sciences
Classification: Uncertain significance for PIEZO1-related condition. Last evaluated: 2024-07-03. Review status: no assertion criteria provided. Collection method: clinical testing. Allele origin: germline. Not counted in ClinVar's aggregate classification.
Comment: The PIEZO1 c.7354G>A variant is predicted to result in the amino acid substitution p.Gly2452Ser. To our knowledge, this variant has not been reported in the literature. This variant is reported in 0.018% of alleles in individuals of South Asian descent in gnomAD. At this time, the clinical significance of this variant is uncertain due to the absence of conclusive functional and genetic evidence.